The following is an entry in ClinVar:

ClinVar aggregate classification (germline): Uncertain significance (1 of 4 stars; one submission).

Conditions:
Nemaline myopathy 2 (NEM2). Also called: Nemaline myopathy 2, autosomal recessive. Identifiers: MedGen C1850569, MONDO:0009725, OMIM 256030.

gnomAD v4.1: 2 of 1,613,934 alleles (0.00012%); highest among the groups gnomAD compares: Non-Finnish European, 0.00017%; no homozygotes.

Submission:

Labcorp Genetics (formerly Invitae), Labcorp
Classification: Uncertain significance for Nemaline myopathy 2. Last evaluated: 2022-08-01. Review status: criteria provided, single submitter. Criteria: Invitae Variant Classification Sherloc (09022015). Collection method: clinical testing. Allele origin: germline.
Comment: This sequence change replaces asparagine, which is neutral and polar, with lysine, which is basic and polar, at codon 1158 of the NEB protein (p.Asn1158Lys). This variant is present in population databases (no rsID available, gnomAD 0.0009%). This variant has not been reported in the literature in individuals affected with NEB-related conditions. Algorithms developed to predict the effect of missense changes on protein structure and function are either unavailable or do not agree on the potential impact of this missense change (SIFT: "Deleterious"; PolyPhen-2: "Not Available"; Align-GVGD: "Class C0"). In summary, the available evidence is currently insufficient to determine the role of this variant in disease. Therefore, it has been classified as a Variant of Uncertain Significance.

NM_001164508.2(NEB):c.3474T>G (p.Asn1158Lys)

Gene: NEB (nebulin; minus strand). Cytogenetic location: 2q23.3.
Variant type: single nucleotide variant.
Coding change: c.3474T>G on transcript NM_001164508.2 (MANE Select); coding-DNA position 3474, T replaced by G.
Protein change: p.Asn1158Lys; replaces asparagine 1158 with lysine.
Molecular consequence: missense variant.
Genome position (GRCh38, 1-based): chr2:151,677,969, A>C on the plus strand (T>G on the coding strand, the complement: NEB is on the minus strand). VCF-style: chr2-151677969-A-C. GRCh37 (hg19) VCF-style: chr2-152534483-A-C.
Other names: c.3474T>G, p.Asn1158Lys (NM_001164507.2, NM_001271208.2, NM_004543.5); short protein forms N1158K.
Identifiers: ClinVar variation 2416532 (VCV002416532.3), dbSNP rs1285218949, ClinGen allele CA348819033.